The following is an entry in ClinVar:

ClinVar aggregate classification (germline): Pathogenic/Likely pathogenic. Review status: criteria provided, multiple submitters, no conflicts (2 of 4 stars). 7 submissions from 7 submitters: Pathogenic (3); Likely pathogenic (3). 1 of the submissions does not count toward it. Last evaluated 2025-09-15.

Conditions:
Retinitis pigmentosa 25 (RP25). Identifiers: Orphanet 791, MedGen C1864446, MONDO:0011272, OMIM 602772.

Submissions (7):

Natera, Inc.
Classification: Likely pathogenic for Retinitis pigmentosa type 25. Last evaluated: 2025-09-15. Review status: criteria provided, single submitter. Criteria: Natera Variant Classification Schema (03/2026). Collection method: clinical testing. Allele origin: germline.
Comment: The c.8830delG variant in EYS is a frameshift variant predicted to shift the reading frame beginning at codon 2944 and leads to a stop codon 31 codons downstream. This variant is expected to result in nonsense mediated decay, truncation, or a dysfunctional protein product. This variant is rare in the general population with a frequency below the threshold expected for the associated phenotype(s). Given the available evidence, this variant is classified as Likely Pathogenic.

Myriad Genetics, Inc.
Classification: Pathogenic for Retinitis pigmentosa 25. Last evaluated: 2025-06-06. Review status: criteria provided, single submitter. Criteria: Myriad Autosomal Dominant, Autosomal Recessive and X-Linked Classification Criteria (2023). Collection method: clinical testing. Allele origin: unknown.
Comment: NM_001142800.1(EYS):c.8830delG(V2944Wfs*31) is a frameshift variant classified as pathogenic in the context of retinitis pigmentosa, EYS-related. V2944Wfs*31 has been observed in a case with relevant disease (PMID: 38219857). Relevant functional assessments of this variant are not available in the literature. V2944Wfs*31 has been observed in referenced population frequency databases. In summary, NM_001142800.1(EYS):c.8830delG(V2944Wfs*31) is a frameshift variant in a gene where loss of function is a known mechanism of disease, is predicted to disrupt protein function, and has been observed more frequently in cases with the relevant disease than in healthy populations. Please note: this variant was assessed in the context of healthy population screening.

Baylor Genetics
Classification: Likely pathogenic for Retinitis pigmentosa 25. Last evaluated: 2024-01-08. Review status: criteria provided, single submitter. Criteria: ACMG Guidelines, 2015. Collection method: clinical testing. Allele origin: unknown.

Labcorp Genetics (formerly Invitae), Labcorp
Classification: Pathogenic. Last evaluated: 2023-06-18. Review status: criteria provided, single submitter. Criteria: Invitae Variant Classification Sherloc (09022015). Collection method: clinical testing. Allele origin: germline.
Comment: For these reasons, this variant has been classified as Pathogenic. This variant disrupts a region of the EYS protein in which other variant(s) (p.Tyr3135*) have been determined to be pathogenic (PMID: 18976725, 29159838, 30337596, 31074760). This suggests that this is a clinically significant region of the protein, and that variants that disrupt it are likely to be disease-causing. ClinVar contains an entry for this variant (Variation ID: 599165). This variant has not been reported in the literature in individuals affected with EYS-related conditions. This variant is present in population databases (rs776526721, gnomAD 0.02%). This sequence change creates a premature translational stop signal (p.Val2944Trpfs*31) in the EYS gene. While this is not anticipated to result in nonsense mediated decay, it is expected to disrupt the last 201 amino acid(s) of the EYS protein.

Mendelics
Classification: Pathogenic for Retinitis pigmentosa 25. Last evaluated: 2022-05-04. Review status: criteria provided, single submitter. Criteria: Mendelics Assertion Criteria 2019. Collection method: clinical testing. Allele origin: germline.

Fulgent Genetics
Classification: Likely pathogenic for Retinitis pigmentosa 25. Last evaluated: 2022-02-23. Review status: criteria provided, single submitter. Criteria: ACMG Guidelines, 2015. Collection method: clinical testing. Allele origin: unknown.

Bioscientia Institut fuer Medizinische Diagnostik GmbH, Sonic Healthcare
Classification: Pathogenic for Retinitis pigmentosa 25. Last evaluated: 2018-09-03. Review status: no assertion criteria provided. Collection method: clinical testing. Allele origin: germline. Affected: yes. Not counted in ClinVar's aggregate classification.

Literature cited by the submitters: PubMed 38219857 (cited by Myriad Genetics, Inc.); PubMed 18976725 (cited by Labcorp Genetics (formerly Invitae), Labcorp); PubMed 29159838 (cited by Labcorp Genetics (formerly Invitae), Labcorp); PubMed 30337596 (cited by Labcorp Genetics (formerly Invitae), Labcorp); PubMed 31074760 (cited by Labcorp Genetics (formerly Invitae), Labcorp).

NM_001142800.2(EYS):c.8830del (p.Val2944fs)

Genes: EYS (EGF-like photoreceptor maintenance factor; minus strand), PHF3 (PHD finger protein 3; plus strand). Cytogenetic location: 6q12.
Variant type: Deletion.
Coding change: c.8830del on transcript NM_001142800.2 (MANE Select); coding-DNA position 8830, one base deleted (G; older notation c.8830delG).
Protein change: p.Val2944fs; shifts the reading frame from valine 2944.
Molecular consequence: frameshift variant. On other transcripts: 3 prime UTR variant (5).
Genome position (GRCh38, 1-based): chr6:63,721,201, C deleted on the plus strand (G on the coding strand, the reverse complement: EYS is on the minus strand); the first of 3 consecutive C bases (chr6:63,721,201-63,721,203); deleting any one gives the same sequence. VCF-style (leftmost placement, unchanged base first): chr6-63721200-AC-A. GRCh37 (hg19) VCF-style: chr6-64431096-AC-A.
Other names: c.*7495del (NM_001290259.2, NM_001370348.2, NM_001370349.2 and 2 more transcripts); c.8893del, p.Val2965fs (NM_001292009.2); short protein forms V2944fs, V2965fs.
Identifiers: ClinVar variation 599165 (VCV000599165.14), dbSNP rs776526721, ClinGen allele CA3876690.